The following is an entry in ClinVar:

NM_001372.4(DNAH9):c.8707+1G>C

Gene: DNAH9 (dynein axonemal heavy chain 9; plus strand). Cytogenetic location: 17p12.
Variant type: single nucleotide variant.
Coding change: c.8707+1G>C on transcript NM_001372.4 (MANE Select); the canonical splice donor site of the intron after coding-DNA position 8707, G replaced by C.
Molecular consequence: splice donor variant.
Genome position (GRCh38, 1-based): chr17:11,810,370, G>C. VCF-style: chr17-11810370-G-C. GRCh37 (hg19) VCF-style: chr17-11713687-G-C.
Other names: c.8707+1G>C (NM_001372.3).
Identifiers: ClinVar variation 4933954 (VCV004933954.2).

ClinVar aggregate classification (germline): Likely pathogenic. Review status: criteria provided, multiple submitters, no conflicts (2 of 4 stars). 2 submissions from 2 submitters: Likely pathogenic (2). Last evaluated 2025-02-26.

Conditions:
DNAH9-related disorder. Also called: DNAH9-related condition.

gnomAD v4.1: 16 of 1,610,224 alleles (0.00099%); highest among the groups gnomAD compares: Non-Finnish European, 0.0014%; no homozygotes.

Submissions (2):

PreventionGenetics, part of Exact Sciences
Classification: Likely pathogenic for DNAH9-related condition. Last evaluated: 2025-02-26. Review status: criteria provided, single submitter. Criteria: ACMG Guidelines, 2015. Collection method: clinical testing. Allele origin: germline.
Comment: The DNAH9 c.8707+1G>C variant is predicted to disrupt the GT donor site and interfere with normal splicing. To our knowledge, this variant has not been reported in the literature. This variant is reported in 0.0054% of alleles in individuals of European (Non-Finnish) descent in gnomAD. Variants that disrupt the consensus splice donor site in DNAH9 are expected to be pathogenic. This variant is interpreted as likely pathogenic.

Blueprint Genetics
Classification: Likely pathogenic for DNAH9-related disorders. Last evaluated: 2024-11-19. Review status: criteria provided, single submitter. Criteria: ACMG Guidelines, 2015. Collection method: clinical testing. Allele origin: germline. Affected: yes. Observed: 5 variant alleles.